The following is an entry in ClinVar:

NM_000277.3(PAH):c.209C>T (p.Ser70Phe)

Gene: PAH (phenylalanine hydroxylase; minus strand). Cytogenetic location: 12q23.2.
Variant type: single nucleotide variant.
Coding change: c.209C>T on transcript NM_000277.3 (MANE Select); coding-DNA position 209, C replaced by T.
Protein change: p.Ser70Phe; replaces serine 70 with phenylalanine.
Molecular consequence: missense variant.
Genome position (GRCh38, 1-based): chr12:102,894,878, G>A on the plus strand (C>T on the coding strand, the complement: PAH is on the minus strand). VCF-style: chr12-102894878-G-A. GRCh37 (hg19) VCF-style: chr12-103288656-G-A.
Other names: c.209C>T, p.Ser70Phe (NM_001354304.2); short protein forms S70F.
Identifiers: ClinVar variation 987767 (VCV000987767.1), dbSNP rs1877434368, ClinGen allele CA16020747.

ClinVar aggregate classification (germline): Likely pathogenic (3 of 4 stars; one submission).

Conditions:
Phenylketonuria (PKU). Also called: OLIGOPHRENIA PHENYLPYRUVICA; Phenylketonuria (PKU); Phenylketonurias; FOLLING DISEASE. Identifiers: Orphanet 716, MedGen C0031485, MONDO:0009861, OMIM 261600. Disease mechanism: loss of function.

Submission:

ClinGen PAH Variant Curation Expert Panel
Classification: Likely pathogenic for Phenylketonuria. Last evaluated: 2020-07-24. Review status: reviewed by expert panel. Criteria: ClinGen PAH ACMG Specifications v1. Collection method: curation. Allele origin: germline. Inheritance: Autosomal recessive inheritance.
Comment: A defect in the synthesis or regeneration in the pathways of 6R-BH4 was ruled out by analyzing urinary pterin levels and by measuring the dihydropteridine reductase activity (PMID 27121329). This variant was detected in trans with pathogenic variant p.Ala300Ser. It is absent in population databases and was predicted deleterious using in silico data. In summary, this variant meets criteria to be classified as likely pathogenic for PAH. PAH-specific ACMG/AMP criteria applied: PM2, PM3, PP4 moderate, and PP3.

Literature cited by the submitters: PubMed 21307867.